The following is an entry in ClinVar:

NM_000478.6(ALPL):c.436G>T (p.Glu146Ter)

Gene: ALPL (alkaline phosphatase, biomineralization associated; plus strand). Cytogenetic location: 1p36.12.
Variant type: single nucleotide variant.
Coding change: c.436G>T on transcript NM_000478.6 (MANE Select); coding-DNA position 436, G replaced by T.
Protein change: p.Glu146Ter; replaces glutamic acid 146 with a stop codon.
Molecular consequence: nonsense.
Genome position (GRCh38, 1-based): chr1:21,563,248, G>T. VCF-style: chr1-21563248-G-T. GRCh37 (hg19) VCF-style: chr1-21889741-G-T.
Other names: c.271G>T, p.Glu91Ter (NM_001127501.4); c.205G>T, p.Glu69Ter (NM_001177520.3); c.436G>T, p.Glu146Ter (NM_001369803.2, NM_001369804.2, NM_001369805.2); short protein forms E146*, E69*, E91*.
Identifiers: ClinVar variation 4818420 (VCV004818420.1).

ClinVar aggregate classification (germline): Likely pathogenic (1 of 4 stars; one submission).

Conditions:
Hypophosphatasia. Also called: Phosphoethanol-aminuria. Identifiers: Orphanet 436, MedGen C0020630, MeSH D007014, MONDO:0018570.

Submission:

Natera, Inc.
Classification: Likely pathogenic for Hypophosphatasia. Last evaluated: 2024-12-02. Review status: criteria provided, single submitter. Criteria: Natera Variant Classification Schema (03/2026). Collection method: clinical testing. Allele origin: germline.
Comment: The c.436G>T variant in ALPL is a nonsense variant predicted to introduce a stop codon at amino acid 146. This variant is expected to result in nonsense mediated decay, truncation, or a dysfunctional protein product. This variant is rare in the general population with a frequency below the threshold expected for the associated phenotype(s). Given the available evidence, this variant is classified as Likely Pathogenic.